The following is an entry in ClinVar:

ClinVar aggregate classification (germline): Pathogenic (1 of 4 stars; one submission).

Conditions:
Intellectual disability. Also called: Intellectual functioning disability; intellectual disabilities; Intellectual developmental disorder. Identifiers: MedGen C3714756, MeSH D008607, MONDO:0001071, HP:0001249.

Submission:

Cytogénomique, Hospices Civils de Lyon
Classification: Pathogenic for Intellectual disability. Last evaluated: 2020-07-20. Review status: criteria provided, single submitter. Criteria: ACMG Guidelines, 2015. Collection method: clinical testing. Allele origin: de novo. Inheritance: Sporadic. Affected: yes. Observed: 1 variant allele, 1 heterozygote.
Comment: de novo truncating variant.

NM_001347721.2(DYRK1A):c.1270G>T (p.Gly424Ter)

Gene: DYRK1A (dual specificity tyrosine phosphorylation regulated kinase 1A; plus strand). Cytogenetic location: 21q22.13.
Variant type: single nucleotide variant.
Coding change: c.1270G>T on transcript NM_001347721.2 (MANE Select); coding-DNA position 1270, G replaced by T.
Protein change: p.Gly424Ter; replaces glycine 424 with a stop codon.
Molecular consequence: nonsense.
Genome position (GRCh38, 1-based): chr21:37,505,340, G>T. VCF-style: chr21-37505340-G-T. GRCh37 (hg19) VCF-style: chr21-38877643-G-T.
Other names: c.1270G>T, p.Gly424Ter (NM_001347722.2, NM_130436.2); c.1183G>T, p.Gly395Ter (NM_001347723.2); c.1297G>T, p.Gly433Ter (NM_001396.5, NM_101395.2, NM_130438.2); short protein forms G395*, G424*, G433*.
Identifiers: ClinVar variation 974784 (VCV000974784.2), dbSNP rs1555990805, ClinGen allele CA409938071.